The following is an entry in ClinVar:

NM_000094.4(COL7A1):c.7013G>A (p.Arg2338Gln)

Gene: COL7A1 (collagen type VII alpha 1 chain; minus strand). Cytogenetic location: 3p21.31.
Variant type: single nucleotide variant.
Coding change: c.7013G>A on transcript NM_000094.4 (MANE Select); coding-DNA position 7013, G replaced by A.
Protein change: p.Arg2338Gln; replaces arginine 2338 with glutamine.
Molecular consequence: missense variant.
Genome position (GRCh38, 1-based): chr3:48,572,137, C>T on the plus strand (G>A on the coding strand, the complement: COL7A1 is on the minus strand). VCF-style: chr3-48572137-C-T. GRCh37 (hg19) VCF-style: chr3-48609570-C-T.
Other names: short protein forms R2338Q.
Identifiers: ClinVar variation 1448928 (VCV001448928.5), dbSNP rs201011691, ClinGen allele CA2378724.
Genomic context (GRCh38, chr3:48,572,137, plus strand): 5'-ACTGAGCCTTCTCTGCTCAGTAGTCAGGCCCCAGGGCCAACCCACCTCACCTTCTCGCCT[C>T]GCGGCCCTGGCAGTCCTCGGTCACCTTTGGCTCCCTGTTGACAGAGGTCAGGAGGCAACA-3'
Protein context (NP_000085.1, residues 2328-2348): AKGDRGLPGP[Arg2338Gln]GEKGEAGRAG

ClinVar aggregate classification (germline): Uncertain significance (1 of 4 stars; one submission).

Allele frequency attached by ClinVar (database versions not stated): gnomAD 0.00001; TOPMed 0.00001; 1000 Genomes Project 30x 0.00016; 1000 Genomes Project 0.00020.
gnomAD v4.1: 11 of 1,614,014 alleles (0.00068%); highest among the groups gnomAD compares: East Asian, 0.0022%; no homozygotes.

Submission:

Labcorp Genetics (formerly Invitae), Labcorp
Classification: Uncertain significance. Last evaluated: 2021-08-28. Review status: criteria provided, single submitter. Criteria: Invitae Variant Classification Sherloc (09022015). Collection method: clinical testing. Allele origin: germline.
Comment: This sequence change replaces arginine with glutamine at codon 2338 of the COL7A1 protein (p.Arg2338Gln). The arginine residue is moderately conserved and there is a small physicochemical difference between arginine and glutamine. This variant is present in population databases (rs201011691, ExAC 0.01%). This variant has not been reported in the literature in individuals affected with COL7A1-related conditions. Algorithms developed to predict the effect of missense changes on protein structure and function are either unavailable or do not agree on the potential impact of this missense change (SIFT: "Tolerated"; PolyPhen-2: "Probably Damaging"; Align-GVGD: "Class C0"). In summary, the available evidence is currently insufficient to determine the role of this variant in disease. Therefore, it has been classified as a Variant of Uncertain Significance.